The following is an entry in ClinVar:

NM_000051.4(ATM):c.3605G>C (p.Gly1202Ala)

Gene: ATM (ATM serine/threonine kinase; plus strand). Cytogenetic location: 11q22.3.
Variant type: single nucleotide variant.
Coding change: c.3605G>C on transcript NM_000051.4 (MANE Select); coding-DNA position 3605, G replaced by C.
Protein change: p.Gly1202Ala; replaces glycine 1202 with alanine.
Molecular consequence: missense variant.
Genome position (GRCh38, 1-based): chr11:108,282,738, G>C. VCF-style: chr11-108282738-G-C. GRCh37 (hg19) VCF-style: chr11-108153465-G-C.
Other names: c.3605G>C, p.Gly1202Ala (NM_001351834.2); short protein forms G1202A.
Identifiers: ClinVar variation 485228 (VCV000485228.13), dbSNP rs1555092285, ClinGen allele CA382522724.
Genomic context (GRCh38, chr11:108,282,738, plus strand): 5'-TTCTTAACACATTGACTTTTTGGTTCGTGCAGGTTTTAGAGAAAGTTTCTGAAACTTTTG[G>C]ATATAGACGTTTAGAAGACTTTATGGCATCTCATTTAGATTATCTGGTTTTGGAATGGCT-3'
Protein context (NP_000042.3, residues 1192-1212): KVLEKVSETF[Gly1202Ala]YRRLEDFMAS

ClinVar aggregate classification (germline): Uncertain significance. Review status: criteria provided, multiple submitters, no conflicts (2 of 4 stars). 6 submissions from 6 submitters: Uncertain significance (6). Last evaluated 2025-08-04.

Conditions:
Familial cancer of breast. Also called: BREAST CANCER, FAMILIAL; Hereditary breast cancer; hereditary breast carcinoma. Identifiers: Orphanet 227535, MedGen C0346153, MONDO:0016419, OMIM 114480. Disease mechanism: loss of function.
Hereditary cancer-predisposing syndrome. Also called: Hereditary neoplastic syndrome; Neoplastic Syndromes, Hereditary; Tumor predisposition; Hereditary Cancer Syndrome. Identifiers: Orphanet 140162, MedGen C0027672, MeSH D009386, MONDO:0015356.
Ataxia-telangiectasia syndrome (AT). Also called: LOUIS-BAR SYNDROME; Cerebello-oculocutaneous telangiectasia; Immunodeficiency with ataxia telangiectasia; AT, COMPLEMENTATION GROUP C; Ataxia-telangiectasia, complementation group D; ATAXIA-TELANGIECTASIA, COMPLEMENTATION GROUP A. Identifiers: Orphanet 100, MedGen C0004135, MONDO:0008840, OMIM 208900.

Submissions (6):

KCCC/NGS Laboratory, Kuwait Cancer Control Center
Classification: Uncertain significance for Familial cancer of breast. Last evaluated: 2025-08-04. Review status: criteria provided, single submitter. Criteria: ACMG Guidelines, 2015. Collection method: clinical testing. Allele origin: germline. Inheritance: Autosomal dominant inheritance. Affected: yes. Observed: 1 heterozygote.
Comment: This sequence change replaces glycine, which is neutral and non-polar, with alanine, which is neutral and non-polar, at codon 1202 of the ATM protein (p.Gly1202Ala). This amino acid position is well conserved.

Labcorp Genetics (formerly Invitae), Labcorp
Classification: Uncertain significance for Ataxia-telangiectasia syndrome. Last evaluated: 2024-01-22. Review status: criteria provided, single submitter. Criteria: Invitae Variant Classification Sherloc (09022015). Collection method: clinical testing. Allele origin: germline.
Comment: This sequence change replaces glycine, which is neutral and non-polar, with alanine, which is neutral and non-polar, at codon 1202 of the ATM protein (p.Gly1202Ala). This variant is not present in population databases (gnomAD no frequency). This missense change has been observed in individual(s) with clinical features of ATM -related conditions (PMID: 31159747). ClinVar contains an entry for this variant (Variation ID: 485228). An algorithm developed to predict the effect of missense changes on protein structure and function (PolyPhen-2) suggests that this variant is likely to be tolerated. In summary, the available evidence is currently insufficient to determine the role of this variant in disease. Therefore, it has been classified as a Variant of Uncertain Significance.

Baylor Genetics
Classification: Uncertain significance for Familial cancer of breast. Last evaluated: 2022-03-23. Review status: criteria provided, single submitter. Criteria: ACMG Guidelines, 2015. Collection method: clinical testing. Allele origin: unknown.

Ambry Genetics
Classification: Uncertain significance for Hereditary cancer-predisposing syndrome. Last evaluated: 2019-10-02. Review status: criteria provided, single submitter. Criteria: Ambry Variant Classification Scheme 2023. Collection method: clinical testing. Allele origin: germline.
Comment: The p.G1202A variant (also known as c.3605G>C), located in coding exon 24 of the ATM gene, results from a G to C substitution at nucleotide position 3605. The glycine at codon 1202 is replaced by alanine, an amino acid with similar properties. This alteration has been reported in 1/1197 individuals with a personal and/or family history of breast and/or ovarian cancer (Tsaousis GN et al. BMC Cancer, 2019 Jun;19:535). This amino acid position is well conserved in available vertebrate species. In addition, the in silico prediction for this alteration is inconclusive. Since supporting evidence is limited at this time, the clinical significance of this alteration remains unclear.

Color Diagnostics, LLC DBA Color Health
Classification: Uncertain significance for Hereditary cancer-predisposing syndrome. Last evaluated: 2019-06-22. Review status: criteria provided, single submitter. Criteria: ACMG Guidelines, 2015. Collection method: clinical testing. Allele origin: germline.

GeneKor MSA
Classification: Uncertain significance for Hereditary cancer-predisposing syndrome. Last evaluated: 2018-08-01. Review status: criteria provided, single submitter. Criteria: ACMG Guidelines, 2015. Collection method: clinical testing. Allele origin: germline. Affected: no.

Literature cited by the submitters: PubMed 31159747 (cited by Labcorp Genetics (formerly Invitae), Labcorp and Ambry Genetics).